The following is an entry in ClinVar:

ClinVar aggregate classification (germline): Benign/Likely benign. Review status: criteria provided, multiple submitters, no conflicts (2 of 4 stars). 2 submissions from 2 submitters: Benign (1); Likely benign (1). Last evaluated 2026-06-01.

Allele frequency attached by ClinVar (database versions not stated): gnomAD 0.00018 and 0.00019; TOPMed 0.00021; ESP Exome Variant Server 0.00023; ExAC 0.00030; gnomAD exomes 0.00034.
gnomAD v4.1: 320 of 1,613,678 alleles (0.02%); highest among the groups gnomAD compares: Admixed American, 0.02%; no homozygotes.

Submissions (2):

CeGaT Center for Human Genetics Tuebingen
Classification: Likely benign. Last evaluated: 2026-06-01. Review status: criteria provided, single submitter. Criteria: CeGaT Center For Human Genetics Tuebingen Variant Classification Criteria Version 2. Collection method: clinical testing. Allele origin: germline. Affected: yes. Observed: 1 variant allele.
Comment: GABRA2: BP4, BP7

Labcorp Genetics (formerly Invitae), Labcorp
Classification: Benign. Last evaluated: 2026-01-31. Review status: criteria provided, single submitter. Criteria: Invitae Variant Classification Sherloc (09022015). Collection method: clinical testing. Allele origin: germline.

NM_000807.4(GABRA2):c.924T>A (p.Ala308=)

Gene: GABRA2 (gamma-aminobutyric acid type A receptor subunit alpha2; minus strand). Cytogenetic location: 4p12.
Variant type: single nucleotide variant.
Coding change: c.924T>A on transcript NM_000807.4 (MANE Select); coding-DNA position 924, T replaced by A.
Protein change: p.Ala308=; no amino-acid change (alanine 308 retained).
Molecular consequence: synonymous variant.
Genome position (GRCh38, 1-based): chr4:46,262,061, A>T on the plus strand (T>A on the coding strand, the complement: GABRA2 is on the minus strand). VCF-style: chr4-46262061-A-T. GRCh37 (hg19) VCF-style: chr4-46264078-A-T.
Other names: c.924T>A, p.Ala308= (NM_001114175.3, NM_001330690.2, NM_001377144.1 and 8 more transcripts); c.759T>A, p.Ala253= (NM_001286827.3, NM_001377152.1, NM_001377153.1 and 1 more transcripts).
Identifiers: ClinVar variation 1599116 (VCV001599116.10), dbSNP rs35058221, ClinGen allele CA2906615.